The following is an entry in ClinVar:

ClinVar aggregate classification (germline): Uncertain significance (1 of 4 stars; one submission).

Conditions:
Familial adenomatous polyposis 1 (FAP1). Also called: POLYPOSIS, ADENOMATOUS INTESTINAL; FAMILIAL ADENOMATOUS POLYPOSIS 1, ATTENUATED. Identifiers: MedGen C2713442, MONDO:0021056, OMIM 175100. Disease mechanism: loss of function.

Submission:

Labcorp Genetics (formerly Invitae), Labcorp
Classification: Uncertain significance for Familial adenomatous polyposis 1. Last evaluated: 2023-08-28. Review status: criteria provided, single submitter. Criteria: Invitae Variant Classification Sherloc (09022015). Collection method: clinical testing. Allele origin: germline.
Comment: In summary, the available evidence is currently insufficient to determine the role of this variant in disease. Therefore, it has been classified as a Variant of Uncertain Significance. Advanced modeling of protein sequence and biophysical properties (such as structural, functional, and spatial information, amino acid conservation, physicochemical variation, residue mobility, and thermodynamic stability) performed at Invitae indicates that this missense variant is not expected to disrupt APC protein function. This variant has not been reported in the literature in individuals affected with APC-related conditions. This variant is not present in population databases (gnomAD no frequency). This sequence change replaces lysine, which is basic and polar, with isoleucine, which is neutral and non-polar, at codon 1686 of the APC protein (p.Lys1686Ile).

NM_000038.6(APC):c.5057A>T (p.Lys1686Ile)

Gene: APC (APC regulator of Wnt signaling pathway; plus strand). Cytogenetic location: 5q22.2.
Variant type: single nucleotide variant.
Coding change: c.5057A>T on transcript NM_000038.6 (MANE Select); coding-DNA position 5057, A replaced by T.
Protein change: p.Lys1686Ile; replaces lysine 1686 with isoleucine.
Molecular consequence: missense variant. On other transcripts: non-coding transcript variant (2).
Genome position (GRCh38, 1-based): chr5:112,840,651, A>T. VCF-style: chr5-112840651-A-T. GRCh37 (hg19) VCF-style: chr5-112176348-A-T.
Other names: c.4973A>T, p.Lys1658Ile (NM_001354899.2); c.5087A>T, p.Lys1696Ile (NM_001354897.2); c.4934A>T, p.Lys1645Ile (NM_001354900.2); c.4784A>T, p.Lys1595Ile (NM_001354902.2); c.4982A>T, p.Lys1661Ile (NM_001354898.2); c.4880A>T, p.Lys1627Ile (NM_001354901.2, NM_001407453.1); c.5057A>T, p.Lys1686Ile (NM_001127510.3, NM_001354895.2, NM_001407450.1); c.5003A>T, p.Lys1668Ile (NM_001127511.3); and 11 more; short protein forms K1403I, K1526I, K1557I, K1627I, K1302I, K1595I, K1645I, K1658I.
Identifiers: ClinVar variation 2756061 (VCV002756061.3), dbSNP rs2149930885, ClinGen allele CA16032394.
Genomic context (GRCh38, chr5:112,840,651, plus strand): 5'-CAAATGAGTTAGCTGCTGGAGAAGGAGTTAGAGGAGGGGCACAGTCAGGTGAATTTGAAA[A>T]ACGAGATACCATTCCTACAGAAGGCAGAAGTACAGATGAGGCTCAAGGAGGAAAAACCTC-3'
Protein context (NP_000029.2, residues 1676-1696): RGGAQSGEFE[Lys1686Ile]RDTIPTEGRS